The following is an entry in ClinVar:

NM_152564.5(VPS13B):c.1888G>A (p.Ala630Thr)

Gene: VPS13B (vacuolar protein sorting 13 homolog B; plus strand). Cytogenetic location: 8q22.2.
Variant type: single nucleotide variant.
Coding change: c.1888G>A on transcript NM_152564.5 (MANE Select); coding-DNA position 1888, G replaced by A.
Protein change: p.Ala630Thr; replaces alanine 630 with threonine.
Molecular consequence: missense variant.
Genome position (GRCh38, 1-based): chr8:99,147,885, G>A. VCF-style: chr8-99147885-G-A. GRCh37 (hg19) VCF-style: chr8-100160113-G-A.
Other names: c.1888G>A (NM_017890.3, NM_152564.4); c.1888G>A, p.Ala630Thr (NM_017890.5, NM_015243.3); short protein forms A630T.
Identifiers: ClinVar variation 1056522 (VCV001056522.11), dbSNP rs768721417, ClinGen allele CA4822774.

ClinVar aggregate classification (germline): Uncertain significance. Review status: criteria provided, multiple submitters, no conflicts (2 of 4 stars). 6 submissions from 6 submitters: Uncertain significance (5). 1 of the submissions does not count toward it. Last evaluated 2026-01-27.

Conditions:
Inborn genetic diseases. Identifiers: MedGen C0950123, MeSH D030342.
VPS13B-related disorder. Also called: VPS13B-related condition.
Cohen syndrome (COH1). Also called: Cutis verticis gyrata, retinitis pigmentosa, and sensorineural deafness; PEPPER SYNDROME. Identifiers: Orphanet 193, MedGen C0265223, MONDO:0008999, OMIM 216550.

Allele frequency attached by ClinVar (database versions not stated): TOPMed below 0.00001; gnomAD exomes 0.00002 and 0.00003; ExAC 0.00006.
gnomAD v4.1: 26 of 1,607,176 alleles (0.0016%); highest among the groups gnomAD compares: South Asian, 0.014%; no homozygotes.

Submissions (7):

PreventionGenetics, part of Exact Sciences
Classification: Uncertain significance for VPS13B-related condition. Last evaluated: 2026-01-27. Review status: criteria provided, single submitter. Criteria: ACMG Guidelines, 2015. Collection method: clinical testing. Allele origin: germline.
Comment: The VPS13B c.1888G>A variant is predicted to result in the amino acid substitution p.Ala630Thr. To our knowledge, this variant has not been reported in the literature. This variant is present in 0.010% of alleles in individuals of South Asian descent in gnomAD. At this time, the clinical significance of this variant is uncertain due to the absence of conclusive functional and genetic evidence.

Women's Health and Genetics/Laboratory Corporation of America, LabCorp
Classification: Uncertain significance. Last evaluated: 2025-06-09. Review status: criteria provided, single submitter. Criteria: LabCorp Variant Classification Summary - May 2015. Collection method: clinical testing. Allele origin: germline.

New York Genome Center
Classification: Uncertain significance for Cohen syndrome. Last evaluated: 2022-11-29. Review status: criteria provided, single submitter. Criteria: NYGC Assertion Criteria 2020. Collection method: clinical testing. Allele origin: germline. Observed: 1 heterozygote.

Ambry Genetics
Classification: Uncertain significance for Inborn genetic diseases. Last evaluated: 2022-11-17. Review status: criteria provided, single submitter. Criteria: Ambry Variant Classification Scheme 2023. Collection method: clinical testing. Allele origin: germline.

Labcorp Genetics (formerly Invitae), Labcorp
Classification: Uncertain significance for Cohen syndrome. Last evaluated: 2022-03-26. Review status: criteria provided, single submitter. Criteria: Invitae Variant Classification Sherloc (09022015). Collection method: clinical testing. Allele origin: germline.
Comment: This sequence change replaces alanine, which is neutral and non-polar, with threonine, which is neutral and polar, at codon 630 of the VPS13B protein (p.Ala630Thr). This variant is present in population databases (rs768721417, gnomAD 0.01%). This variant has not been reported in the literature in individuals affected with VPS13B-related conditions. ClinVar contains an entry for this variant (Variation ID: 1056522). Algorithms developed to predict the effect of missense changes on protein structure and function output the following: SIFT: "Not Available"; PolyPhen-2: "Probably Damaging"; Align-GVGD: "Not Available". The threonine amino acid residue is found in multiple mammalian species, which suggests that this missense change does not adversely affect protein function. Algorithms developed to predict the effect of sequence changes on RNA splicing suggest that this variant may create or strengthen a splice site. In summary, the available evidence is currently insufficient to determine the role of this variant in disease. Therefore, it has been classified as a Variant of Uncertain Significance.

Natera, Inc.
Classification: Uncertain significance for Cohen syndrome. Last evaluated: 2020-02-07. Review status: no assertion criteria provided. Collection method: clinical testing. Allele origin: germline. Not counted in ClinVar's aggregate classification.

Dr. Peter K. Rogan Lab, Western University
No classification provided (evidence only). Condition: Colorectal cancer. Review status: no classification provided. Collection method: in vitro. Allele origin: not applicable. Functional consequence: retained intron. Not counted in ClinVar's aggregate classification.